The following is an entry in ClinVar:

NM_001330078.2(NRXN1):c.602A>G (p.Glu201Gly)

Gene: NRXN1 (neurexin 1; minus strand). Cytogenetic location: 2p16.3.
Variant type: single nucleotide variant.
Coding change: c.602A>G on transcript NM_001330078.2 (MANE Select); coding-DNA position 602, A replaced by G.
Protein change: p.Glu201Gly; replaces glutamic acid 201 with glycine.
Molecular consequence: missense variant.
Genome position (GRCh38, 1-based): chr2:51,027,672, T>C on the plus strand (A>G on the coding strand, the complement: NRXN1 is on the minus strand). VCF-style: chr2-51027672-T-C. GRCh37 (hg19) VCF-style: chr2-51254810-T-C.
Other names: c.602A>G, p.Glu201Gly (NM_001330095.2, NM_001330096.2, NM_004801.6 and 15 more transcripts); short protein forms E201G.
Identifiers: ClinVar variation 2418060 (VCV002418060.6), dbSNP rs112934082, ClinGen allele CA1655450.

ClinVar aggregate classification (germline): Uncertain significance (1 of 4 stars; one submission).

Conditions:
Pitt-Hopkins-like syndrome 2 (PTHSL2). Identifiers: Orphanet 221150, Orphanet 600663, MedGen C3280479, MONDO:0013690, OMIM 614325.

Allele frequency attached by ClinVar (database versions not stated): TOPMed below 0.00001; ExAC 0.00001; gnomAD exomes 0.00001.
gnomAD v4.1: 8 of 1,602,840 alleles (0.0005%); highest among the groups gnomAD compares: Non-Finnish European, 0.00068%; no homozygotes.

Submission:

Labcorp Genetics (formerly Invitae), Labcorp
Classification: Uncertain significance for Pitt-Hopkins-like syndrome 2. Last evaluated: 2024-02-02. Review status: criteria provided, single submitter. Criteria: Invitae Variant Classification Sherloc (09022015). Collection method: clinical testing. Allele origin: germline.
Comment: This sequence change replaces glutamic acid, which is acidic and polar, with glycine, which is neutral and non-polar, at codon 201 of the NRXN1 protein (p.Glu201Gly). This variant is present in population databases (rs112934082, gnomAD 0.002%). This missense change has been observed in individual(s) with schizophrenia (PMID: 21288692). ClinVar contains an entry for this variant (Variation ID: 2418060). An algorithm developed to predict the effect of missense changes on protein structure and function (PolyPhen-2) suggests that this variant is likely to be tolerated. In summary, the available evidence is currently insufficient to determine the role of this variant in disease. Therefore, it has been classified as a Variant of Uncertain Significance.

Literature cited by the submitters: PubMed 21288692.